The following is an entry in ClinVar:

ClinVar aggregate classification (germline): Uncertain significance (1 of 4 stars; one submission).

Conditions:
Oculotrichoanal syndrome (MOTA). Also called: MARLES SYNDROME; Manitoba Oculotrichoanal (MOTA) Syndrome. Identifiers: Orphanet 2717, MedGen C1855425, MONDO:0009560, OMIM 248450.
Trigonocephaly 2 (TRIGNO2). Identifiers: Orphanet 3366, MedGen C3280974, MONDO:0013774, OMIM 614485.
BNAR syndrome. Also called: Bifid Nose With or Without Anorectal and Renal Anomalies (BNAR) Syndrome. Identifiers: Orphanet 217266, MedGen C2750433, MONDO:0012165, OMIM 608980.

Submission:

Juno Genomics, Hangzhou Juno Genomics, Inc
Classification: Uncertain significance for BNAR syndrome; Oculotrichoanal syndrome; Trigonocephaly 2. Review status: criteria provided, single submitter. Criteria: ACMG Guidelines, 2015. Collection method: clinical testing. Allele origin: germline.
Comment: Absent from controls (or at extremely low frequency if recessive) in Genome Aggregation Database.

NM_001379081.2(FREM1):c.4787C>T (p.Thr1596Ile)

Gene: FREM1 (FRAS1 related extracellular matrix 1; minus strand). Cytogenetic location: 9p22.3.
Variant type: single nucleotide variant.
Coding change: c.4787C>T on transcript NM_001379081.2 (MANE Select); coding-DNA position 4787, C replaced by T.
Protein change: p.Thr1596Ile; replaces threonine 1596 with isoleucine.
Molecular consequence: missense variant. On other transcripts: non-coding transcript variant (2).
Genome position (GRCh38, 1-based): chr9:14,775,859, G>A on the plus strand (C>T on the coding strand, the complement: FREM1 is on the minus strand). VCF-style: chr9-14775859-G-A. GRCh37 (hg19) VCF-style: chr9-14775857-G-A.
Other names: c.395C>T, p.Thr132Ile (NM_001177704.3, NM_001370058.2, NM_001370061.2); c.4787C>T, p.Thr1596Ile (NM_144966.7); short protein forms T1596I, T132I.
Identifiers: ClinVar variation 5007426 (VCV005007426.2).